The following is an entry in ClinVar:

ClinVar aggregate classification (germline): Likely benign (0 of 4 stars; one submission).

Conditions:
ACE-related disorder. Also called: ACE-related disorders; ACE-related condition.

Submission:

PreventionGenetics, part of Exact Sciences
Classification: Likely benign for ACE-related condition. Last evaluated: 2019-09-16. Review status: no assertion criteria provided. Collection method: clinical testing. Allele origin: germline.
Comment: This variant is classified as likely benign based on ACMG/AMP sequence variant interpretation guidelines (Richards et al. 2015 PMID: 25741868, with internal and published modifications).

NM_000789.4(ACE):c.3691+6del

Gene: ACE (angiotensin I converting enzyme; plus strand). Cytogenetic location: 17q23.3.
Variant type: Deletion.
Coding change: c.3691+6del on transcript NM_000789.4 (MANE Select); 6 bases into the intron after coding-DNA position 3691, one base deleted (G; older notation c.3691+6delG).
Molecular consequence: intron variant.
Genome position (GRCh38, 1-based): chr17:63,496,991, G deleted. VCF-style (leftmost placement, unchanged base first): chr17-63496990-CG-C. GRCh37 (hg19) VCF-style: chr17-61574351-CG-C.
Other names: c.2839+6del (NM_001382701.1); c.3124+6del (NM_001382700.1); c.1969+6del (NM_152830.3); c.1846+6del (NM_001178057.2); c.1306+6del (NM_001382702.1).
Identifiers: ClinVar variation 3041058 (VCV003041058.2), dbSNP rs2147579230, ClinGen allele CA2733905595.